The following is an entry in ClinVar:

ClinVar aggregate classification (germline): Pathogenic/Likely pathogenic. Review status: criteria provided, multiple submitters, no conflicts (2 of 4 stars). 8 submissions from 8 submitters: Pathogenic (6); Likely pathogenic (1). 1 of the submissions does not count toward it. Last evaluated 2025-08-01.

Conditions:
Bronchiectasis with or without elevated sweat chloride 1 (BESC1). Also called: Cystic Fibrosis-Like Syndrome. Identifiers: Orphanet 60033, MedGen C2749757, MONDO:0008887, OMIM 211400.
CFTR-related disorder (CFTR-RD). Also called: CFTR-related disorders; CFTR-related condition. Identifiers: MedGen C5924204, MONDO:7770004.
Cystic fibrosis (CF). Also called: MUCOVISCIDOSIS. Identifiers: Orphanet 586, MedGen C0010674, MONDO:0009061, OMIM 219700. Disease mechanism: loss of function.
Congenital bilateral aplasia of vas deferens from CFTR mutation (CBAVD). Identifiers: Orphanet 48, MedGen C0403814, MONDO:0010178, OMIM 277180. Disease mechanism: loss of function.
Hereditary pancreatitis (PCTT). Also called: PRSS1-Related Hereditary Pancreatitis; Hereditary chronic pancreatitis. Identifiers: Orphanet 676, MedGen C0238339, MONDO:0008185, OMIM 167800.

gnomAD v4.1: 1 of 1,612,566 alleles (0.000062%); highest among the groups gnomAD compares: South Asian, 0.0011%; no homozygotes.

Submissions (8):

Labcorp Genetics (formerly Invitae), Labcorp
Classification: Pathogenic for Cystic fibrosis. Last evaluated: 2025-08-01. Review status: criteria provided, single submitter. Criteria: Invitae Variant Classification Sherloc (09022015). Collection method: clinical testing. Allele origin: germline.
Comment: This sequence change creates a premature translational stop signal (p.Glu407*) in the CFTR gene. It is expected to result in an absent or disrupted protein product. Loss-of-function variants in CFTR are known to be pathogenic (PMID: 1695717, 7691345, 9725922). This variant is not present in population databases (gnomAD no frequency). This premature translational stop signal has been observed in individual(s) with cystic fibrosis (PMID: 35858753). ClinVar contains an entry for this variant (Variation ID: 495894). For these reasons, this variant has been classified as Pathogenic.

Natera, Inc.
Classification: Pathogenic for CFTR-related disorders. Last evaluated: 2024-12-30. Review status: criteria provided, single submitter. Criteria: Natera Variant Classification Schema (03/2026). Collection method: clinical testing. Allele origin: germline.
Comment: The c.1219G>T variant in CFTR is a nonsense variant predicted to introduce a stop codon at amino acid 407. This variant is expected to result in nonsense mediated decay, truncation, or a dysfunctional protein product. This variant is rare in the general population with a frequency below the threshold expected for the associated phenotype(s). This variant has been observed in one or more individuals affected with the associated recessive disease, as either homozygous or compound heterozygous with a second variant (PMID: 35858753). Given the available evidence, this variant is classified as Pathogenic.

GeneDx
Classification: Pathogenic. Last evaluated: 2024-12-06. Review status: criteria provided, single submitter. Criteria: GeneDx Variant Classification Process June 2021. Collection method: clinical testing. Allele origin: germline. Affected: yes.
Comment: Nonsense variant predicted to result in protein truncation or nonsense mediated decay in a gene for which loss of function is a known mechanism of disease; Not observed at significant frequency in large population cohorts (gnomAD); This variant is associated with the following publications: (PMID: 38246579, 35858753)

Fulgent Genetics
Classification: Pathogenic for Hereditary pancreatitis; Bronchiectasis with or without elevated sweat chloride 1; Cystic fibrosis; Congenital bilateral aplasia of vas deferens from CFTR mutation. Last evaluated: 2024-04-23. Review status: criteria provided, single submitter. Criteria: ACMG Guidelines, 2015. Collection method: clinical testing. Allele origin: germline.

Baylor Genetics
Classification: Pathogenic for Bronchiectasis with or without elevated sweat chloride 1. Last evaluated: 2024-02-27. Review status: criteria provided, single submitter. Criteria: ACMG Guidelines, 2015. Collection method: clinical testing. Allele origin: unknown.

Ambry Genetics
Classification: Pathogenic for Cystic fibrosis. Last evaluated: 2019-10-09. Review status: criteria provided, single submitter. Criteria: Ambry Variant Classification Scheme 2023. Collection method: clinical testing. Allele origin: germline.
Comment: The p.E407* pathogenic mutation (also known as c.1219G>T), located in coding exon 10 of the CFTR gene, results from a G to T substitution at nucleotide position 1219. This changes the amino acid from a glutamic acid to a stop codon within coding exon 10. This alteration is expected to result in loss of function by premature protein truncation or nonsense-mediated mRNA decay. As such, this alteration is interpreted as a disease-causing mutation.

Women's Health and Genetics/Laboratory Corporation of America, LabCorp
Classification: Likely pathogenic for Cystic fibrosis. Last evaluated: 2017-07-24. Review status: criteria provided, single submitter. Criteria: LabCorp Variant Classification Summary - May 2015. Collection method: clinical testing. Allele origin: germline.
Comment: Variant summary: The CFTR c.1219G>T (p.Glu407X) variant results in a premature termination codon, predicted to cause a truncated or absent CFTR protein due to nonsense mediated decay, which are commonly known mechanisms for disease. Truncations downstream of this position have been classified as pathogenic by our laboratory (e.g. c.1327_1330dupGATA, p.Ile444fsX3; c.1340delA, p.Lys447fsX2; c.1365_1366delGG, p.Val456fsX25). One in silico tool predicts a damaging outcome for this variant. This variant is absent in 110732 control chromosomes. The variant of interest has not, to our knowledge, been reported in affected individuals via publications and/or reputable databases/clinical diagnostic laboratories; nor evaluated for functional impact by in vivo/vitro studies. Taken together, due to the truncating nature of this variant, it is classified as likely pathogenic.

Department of Urology, First Affiliated Hospital of Nanjing Medical University
Classification: Pathogenic for Cystic fibrosis. Last evaluated: 2023-12-25. Review status: no assertion criteria provided. Collection method: clinical testing. Allele origin: paternal. Affected: yes. Observed: 1 variant allele. Not counted in ClinVar's aggregate classification.

Literature cited by the submitters: PubMed 1695717 (cited by Labcorp Genetics (formerly Invitae), Labcorp); PubMed 7691345 (cited by Labcorp Genetics (formerly Invitae), Labcorp); PubMed 9725922 (cited by Labcorp Genetics (formerly Invitae), Labcorp); PubMed 35858753 (cited by Labcorp Genetics (formerly Invitae), Labcorp and Natera, Inc.).

NM_000492.4(CFTR):c.1219G>T (p.Glu407Ter)

Genes: CFTR (CF transmembrane conductance regulator; plus strand), CFTR-AS1 (CFTR antisense RNA 1; minus strand). Cytogenetic location: 7q31.2.
Variant type: single nucleotide variant.
Coding change: c.1219G>T on transcript NM_000492.4 (MANE Select); coding-DNA position 1219, G replaced by T.
Protein change: p.Glu407Ter; replaces glutamic acid 407 with a stop codon.
Molecular consequence: nonsense.
Genome position (GRCh38, 1-based): chr7:117,548,650, G>T. VCF-style: chr7-117548650-G-T. GRCh37 (hg19) VCF-style: chr7-117188704-G-T.
Other names: short protein forms E407*.
Identifiers: ClinVar variation 495894 (VCV000495894.11), dbSNP rs766063304, ClinGen allele CA368981306.